The following is an entry in ClinVar:

NM_033087.4(ALG2):c.319G>A (p.Glu107Lys)

Gene: ALG2 (ALG2 alpha-1,3/1,6-mannosyltransferase; minus strand). Cytogenetic location: 9q22.33.
Variant type: single nucleotide variant.
Coding change: c.319G>A on transcript NM_033087.4 (MANE Select); coding-DNA position 319, G replaced by A.
Protein change: p.Glu107Lys; replaces glutamic acid 107 with lysine.
Molecular consequence: missense variant. On other transcripts: non-coding transcript variant (1).
Genome position (GRCh38, 1-based): chr9:99,221,576, C>T on the plus strand (G>A on the coding strand, the complement: ALG2 is on the minus strand). VCF-style: chr9-99221576-C-T. GRCh37 (hg19) VCF-style: chr9-101983858-C-T.
Other names: short protein forms E107K.
Identifiers: ClinVar variation 638332 (VCV000638332.8), dbSNP rs1156439417, ClinGen allele CA374231238.
Genomic context (GRCh38, chr9:99,221,576, plus strand): 5'-ACTCGCGCAGCCGGCCCCGCGGCCGCCTCACCTGGTCGCACACTACCACGTCGAACTCCT[C>T]GTCGGCGAGGAACAGCACGTAGAGCGCCAGGAAAACCATGCGCACGTAGGCGCAGACGGC-3'
Protein context (NP_149078.1, residues 97-117): LALYVLFLAD[Glu107Lys]EFDVVVCDQV

ClinVar aggregate classification (germline): Uncertain significance. Review status: criteria provided, multiple submitters, no conflicts (2 of 4 stars). 4 submissions from 3 submitters: Uncertain significance (4). Last evaluated 2025-05-01.

Conditions:
Congenital disorder of glycosylation, type Ii. Also called: CDG Ii; ALG2-congenital disorder of glycosylation; ALG2-CDG. Identifiers: Orphanet 79326, MedGen C1842836, MONDO:0011933, OMIM 607906.
Congenital myasthenic syndrome 14. Also called: Myasthenic syndrome, congenital, 14, with tubular aggregates. Identifiers: Orphanet 353327, Orphanet 590, MedGen C4015597, MONDO:0014543, OMIM 616228.
Inborn genetic diseases. Identifiers: MedGen C0950123, MeSH D030342.

Allele frequency attached by ClinVar (database versions not stated): gnomAD exomes 0.00004; TOPMed 0.00001.
gnomAD v4.1: 5 of 1,544,610 alleles (0.00032%); highest among the groups gnomAD compares: Admixed American, 0.0059%; no homozygotes.

Submissions (4):

Ambry Genetics
Classification: Uncertain significance for Inborn genetic diseases. Last evaluated: 2025-05-01. Review status: criteria provided, single submitter. Criteria: Ambry Variant Classification Scheme 2023. Collection method: clinical testing. Allele origin: germline.

Labcorp Genetics (formerly Invitae), Labcorp
Classification: Uncertain significance for Congenital disorder of glycosylation, type Ii; Congenital myasthenic syndrome 14. Last evaluated: 2022-03-26. Review status: criteria provided, single submitter. Criteria: Invitae Variant Classification Sherloc (09022015). Collection method: clinical testing. Allele origin: germline.
Comment: In summary, the available evidence is currently insufficient to determine the role of this variant in disease. Therefore, it has been classified as a Variant of Uncertain Significance. Algorithms developed to predict the effect of missense changes on protein structure and function (SIFT, PolyPhen-2, Align-GVGD) all suggest that this variant is likely to be tolerated. ClinVar contains an entry for this variant (Variation ID: 638332). This variant has not been reported in the literature in individuals affected with ALG2-related conditions. This variant is present in population databases (no rsID available, gnomAD 0.01%). This sequence change replaces glutamic acid, which is acidic and polar, with lysine, which is basic and polar, at codon 107 of the ALG2 protein (p.Glu107Lys).

Genomic Research Center, Shahid Beheshti University of Medical Sciences
Classification: Uncertain significance for Congenital disorder of glycosylation type 1I. Last evaluated: 2019-04-27. Review status: criteria provided, single submitter. Criteria: ACMG Guidelines, 2015. Collection method: clinical testing. Allele origin: unknown. Affected: no.

Genomic Research Center, Shahid Beheshti University of Medical Sciences
Classification: Uncertain significance for Myasthenic syndrome, congenital, 14. Last evaluated: 2019-04-27. Review status: criteria provided, single submitter. Criteria: ACMG Guidelines, 2015. Collection method: clinical testing. Allele origin: unknown. Affected: no.